The following is an entry in ClinVar:

NM_022124.6(CDH23):c.2032G>A (p.Val678Ile)

Gene: CDH23 (cadherin related 23; plus strand). Cytogenetic location: 10q22.1.
Variant type: single nucleotide variant.
Coding change: c.2032G>A on transcript NM_022124.6 (MANE Select); coding-DNA position 2032, G replaced by A.
Protein change: p.Val678Ile; replaces valine 678 with isoleucine.
Molecular consequence: missense variant.
Genome position (GRCh38, 1-based): chr10:71,687,692, G>A. VCF-style: chr10-71687692-G-A. GRCh37 (hg19) VCF-style: chr10-73447449-G-A.
Other names: c.2032G>A, p.Val678Ile (NM_001171930.2, NM_001171931.2); short protein forms V678I.
Identifiers: ClinVar variation 228487 (VCV000228487.9), dbSNP rs547668692, ClinGen allele CA5544053.

ClinVar aggregate classification (germline): Uncertain significance. Review status: criteria provided, multiple submitters, no conflicts (2 of 4 stars). 5 submissions from 5 submitters: Uncertain significance (4). 1 of the submissions does not count toward it. Last evaluated 2024-09-10.

Conditions:
Inborn genetic diseases. Identifiers: MedGen C0950123, MeSH D030342.
Usher syndrome type 1 (USH1). Also called: RETINITIS PIGMENTOSA AND CONGENITAL DEAFNESS. Identifiers: Orphanet 231169, Orphanet 886, MedGen C1568247, MONDO:0010168, OMIM 276900.

Allele frequency attached by ClinVar (database versions not stated): gnomAD 0.00003 and 0.00004; TOPMed 0.00005; gnomAD exomes 0.00009; ExAC 0.00012; 1000 Genomes Project 0.00020; 1000 Genomes Project 30x 0.00031.
gnomAD v4.1: 138 of 1,613,818 alleles (0.0086%); highest among the groups gnomAD compares: Admixed American, 0.013%; no homozygotes.

Submissions (5):

Blueprint Genetics
Classification: Uncertain significance. Last evaluated: 2024-09-10. Review status: criteria provided, single submitter. Criteria: ACMG Guidelines, 2015. Collection method: clinical testing. Allele origin: germline.

Ambry Genetics
Classification: Uncertain significance for Inborn genetic diseases. Last evaluated: 2023-12-26. Review status: criteria provided, single submitter. Criteria: Ambry Variant Classification Scheme 2023. Collection method: clinical testing. Allele origin: germline.

Labcorp Genetics (formerly Invitae), Labcorp
Classification: Uncertain significance. Last evaluated: 2022-10-17. Review status: criteria provided, single submitter. Criteria: Invitae Variant Classification Sherloc (09022015). Collection method: clinical testing. Allele origin: germline.
Comment: This sequence change replaces valine, which is neutral and non-polar, with isoleucine, which is neutral and non-polar, at codon 678 of the CDH23 protein (p.Val678Ile). This variant is present in population databases (rs547668692, gnomAD 0.02%). This variant has not been reported in the literature in individuals affected with CDH23-related conditions. ClinVar contains an entry for this variant (Variation ID: 228487). Advanced modeling of protein sequence and biophysical properties (such as structural, functional, and spatial information, amino acid conservation, physicochemical variation, residue mobility, and thermodynamic stability) performed at Invitae indicates that this missense variant is not expected to disrupt CDH23 protein function. In summary, the available evidence is currently insufficient to determine the role of this variant in disease. Therefore, it has been classified as a Variant of Uncertain Significance.

Laboratory for Molecular Medicine, Mass General Brigham Personalized Medicine
Classification: Uncertain significance. Last evaluated: 2016-01-07. Review status: criteria provided, single submitter. Criteria: LMM Criteria. Collection method: clinical testing. Allele origin: germline. Observed: 1 variant allele.
Comment: Variant classified as Uncertain Significance - Favor Benign. The p.Val678Ile var iant in CDH23 has not been previously reported in individuals with hearing loss, but has been identified in 12/65798 European chromosomes by the Exome Aggregati on Consortium (ExAC; dbSNP rs547668692). Computa tional prediction tools and conservation analyses suggest that the p.Val678Ile v ariant may not impact the protein, though this information is not predictive eno ugh to rule out pathogenicity. Of note, the valine (Val) at position 678 is not conserved with 1 mammal (shrew) and 10 lower species (birds, amphibians, reptil es, fish) having an isoleucine (Ile) at this position, supporting that a change at this position may be tolerated. In summary, while the clinical significance o f the p.Val678Ile variant is uncertain, these data suggest that it is more likel y to be benign.

Natera, Inc.
Classification: Uncertain significance for Usher syndrome type 1. Last evaluated: 2019-10-28. Review status: no assertion criteria provided. Collection method: clinical testing. Allele origin: germline. Not counted in ClinVar's aggregate classification.